The following is an entry in ClinVar:

ClinVar aggregate classification (germline): Likely benign. Review status: criteria provided, single submitter (1 of 4 stars). 2 submissions from 2 submitters: Likely benign (1). 1 of the submissions does not count toward it. Last evaluated 2024-03-19.

Conditions:
DDX41-related disorder. Also called: DDX41-related condition.

Allele frequency attached by ClinVar (database versions not stated): ExAC 0.00001.
gnomAD v4.1: 1 of 1,613,990 alleles (0.000062%); no homozygotes.

Submissions (2):

Blueprint Genetics
Classification: Likely benign. Last evaluated: 2024-03-19. Review status: criteria provided, single submitter. Criteria: ACMG Guidelines, 2015. Collection method: clinical testing. Allele origin: germline.

PreventionGenetics, part of Exact Sciences
Classification: Likely benign for DDX41-related condition. Last evaluated: 2019-07-11. Review status: no assertion criteria provided. Collection method: clinical testing. Allele origin: germline. Not counted in ClinVar's aggregate classification.
Comment: This variant is classified as likely benign based on ACMG/AMP sequence variant interpretation guidelines (Richards et al. 2015 PMID: 25741868, with internal and published modifications).

NM_016222.4(DDX41):c.572-5C>T

Gene: DDX41 (DEAD-box helicase 41; minus strand). Cytogenetic location: 5q35.3.
Variant type: single nucleotide variant.
Coding change: c.572-5C>T on transcript NM_016222.4 (MANE Select); 5 bases into the intron before coding-DNA position 572, C replaced by T.
Molecular consequence: intron variant.
Genome position (GRCh38, 1-based): chr5:177,515,263, G>A on the plus strand (C>T on the coding strand, the complement: DDX41 is on the minus strand). VCF-style: chr5-177515263-G-A. GRCh37 (hg19) VCF-style: chr5-176942264-G-A.
Other names: c.194-5C>T (NM_001321830.2, NM_001321732.2).
Identifiers: ClinVar variation 3050842 (VCV003050842.3), dbSNP rs773536438, ClinGen allele CA3585102.
Genomic context (GRCh38, chr5:177,515,263, plus strand): 5'-GATCTGAATGGGTGTTGGGTGGTGAATGCCTTTCTTCTTCAGGCCTCTCAGGATGGCTAT[G>A]AAAACCAACCGACATCGTCTTCATGACTCACAGGTACTTTCTCAGAGCCCCAAAGCCTGT-3'